The following is an entry in ClinVar:

NM_001370298.3(FGD4):c.*4956T>A

Gene: FGD4 (FYVE, RhoGEF and PH domain containing 4; plus strand). Cytogenetic location: 12p11.21.
Variant type: single nucleotide variant.
Coding change: c.*4956T>A on transcript NM_001370298.3 (MANE Select); 4956 bases downstream of the stop codon, T replaced by A.
Molecular consequence: 3 prime UTR variant.
Genome position (GRCh38, 1-based): chr12:32,645,489, T>A. VCF-style: chr12-32645489-T-A. GRCh37 (hg19) VCF-style: chr12-32798423-T-A.
Other names: c.*4956T>A (NM_001304481.2, NM_001304484.2, NM_001330373.2 and 5 more transcripts); c.*864T>A (NM_001384126.1, NM_001384127.1, NM_001384128.1).
Identifiers: ClinVar variation 308370 (VCV000308370.6), dbSNP rs149215917, ClinGen allele CA10641911.
Genomic context (GRCh38, chr12:32,645,489, plus strand): 5'-GTCAGGAGTTTGAGACCAGCCTGGCCAACATGGTGAAACCCTGTCTCTACTAAATAAAAA[T>A]AAAACAAAATAAGTGTATCTGGGCCAGGCACGGTAGCCCATGCCTGTAATCCCAGCACTT-3'

ClinVar aggregate classification (germline): Benign. Review status: criteria provided, multiple submitters, no conflicts (2 of 4 stars). 2 submissions from 2 submitters: Benign (2). Last evaluated 2018-01-12.

Conditions:
Charcot-Marie-Tooth disease type 4H (CMT4H). Also called: CHARCOT-MARIE-TOOTH DISEASE, AUTOSOMAL RECESSIVE, TYPE 4H; CHARCOT-MARIE-TOOTH DISEASE, DEMYELINATING, AUTOSOMAL RECESSIVE, TYPE 4H; CHARCOT-MARIE-TOOTH NEUROPATHY, TYPE 4H; CHARCOT-MARIE-TOOTH DISEASE, DEMYELINATING, TYPE 4H. Identifiers: Orphanet 99954, MedGen C1836336, MONDO:0012250, OMIM 609311.

Allele frequency attached by ClinVar (database versions not stated): gnomAD 0.00243 and 0.00361; TOPMed 0.00301; gnomAD exomes 0.01429; 1000 Genomes Project 0.01877.
gnomAD v4.1: 540 of 151,774 alleles (0.36%); highest among the groups gnomAD compares: East Asian, 3.5%; 12 homozygotes.

Submissions (2):

Illumina Laboratory Services, Illumina
Classification: Benign for Charcot-Marie-Tooth disease type 4H. Last evaluated: 2018-01-12. Review status: criteria provided, single submitter. Criteria: ICSL Variant Classification Criteria 13 December 2019. Collection method: clinical testing. Allele origin: germline.
Comment: This variant was observed in the ICSL laboratory as part of a predisposition screen in an ostensibly healthy population. It had not been previously curated by ICSL or reported in the Human Gene Mutation Database (HGMD: prior to June 1st, 2018), and was therefore a candidate for classification through an automated scoring system. Utilizing variant allele frequency, disease prevalence and penetrance estimates, and inheritance mode, an automated score was calculated to assess if this variant is too frequent to cause the disease. Based on the score and internal cut-off values, a variant classified as benign is not then subjected to further curation. The score for this variant resulted in a classification of benign for this disease.

Breakthrough Genomics
Classification: Benign. Review status: criteria provided, single submitter. Criteria: ACMG Guidelines, 2015. Collection method: not provided. Allele origin: germline. Inheritance: Autosomal recessive inheritance. Affected: yes.